The following is an entry in ClinVar:

ClinVar aggregate classification (germline): Uncertain significance. Review status: criteria provided, multiple submitters, no conflicts (2 of 4 stars). 2 submissions from 2 submitters: Uncertain significance (2). Last evaluated 2025-03-02.

Conditions:
Infantile spasms. Also called: Infantile spasm. Identifiers: MedGen C3887898, HP:0012469.

Allele frequency attached by ClinVar (database versions not stated): gnomAD exomes 0.00001 and 0.00003; ExAC 0.00004; gnomAD 0.00005 and 0.00006; TOPMed 0.00006.

Submissions (2):

Labcorp Genetics (formerly Invitae), Labcorp
Classification: Uncertain significance for Infantile spasms. Last evaluated: 2025-03-02. Review status: criteria provided, single submitter. Criteria: Invitae Variant Classification Sherloc (09022015). Collection method: clinical testing. Allele origin: germline.
Comment: This sequence change replaces valine, which is neutral and non-polar, with isoleucine, which is neutral and non-polar, at codon 244 of the PIK3AP1 protein (p.Val244Ile). This variant is present in population databases (rs761647957, gnomAD 0.01%). This variant has not been reported in the literature in individuals affected with PIK3AP1-related conditions. ClinVar contains an entry for this variant (Variation ID: 1015886). An algorithm developed to predict the effect of missense changes on protein structure and function (PolyPhen-2) suggests that this variant is likely to be disruptive. In summary, the available evidence is currently insufficient to determine the role of this variant in disease. Therefore, it has been classified as a Variant of Uncertain Significance.

Ambry Genetics
Classification: Uncertain significance. Last evaluated: 2021-10-14. Review status: criteria provided, single submitter. Criteria: Ambry Variant Classification Scheme 2023. Collection method: clinical testing. Allele origin: germline.

NM_152309.3(PIK3AP1):c.730G>A (p.Val244Ile)

Gene: PIK3AP1 (phosphoinositide-3-kinase adaptor protein 1; minus strand). Cytogenetic location: 10q24.1.
Variant type: single nucleotide variant.
Coding change: c.730G>A on transcript NM_152309.3 (MANE Select); coding-DNA position 730, G replaced by A.
Protein change: p.Val244Ile; replaces valine 244 with isoleucine.
Molecular consequence: missense variant.
Genome position (GRCh38, 1-based): chr10:96,651,634, C>T on the plus strand (G>A on the coding strand, the complement: PIK3AP1 is on the minus strand). VCF-style: chr10-96651634-C-T. GRCh37 (hg19) VCF-style: chr10-98411391-C-T.
Other names: c.730G>A (NM_152309.2); short protein forms V244I.
Identifiers: ClinVar variation 1015886 (VCV001015886.9), dbSNP rs761647957, ClinGen allele CA5626458.
Genomic context (GRCh38, chr10:96,651,634, plus strand): 5'-TATAATAGCTGATAACGGTTTCACACACCACTAAGTCTCCAGAATATATCTTCAGAGAAA[C>T]GTTCCCAGATGAAAGGTCTGAACAGAAGAAAAGACACTATCAAAATTCCCAGGAAAAACA-3'
Protein context (NP_689522.2, residues 234-254): VKAPNLSSGN[Val244Ile]SLKIYSGDLV